The following is an entry in ClinVar:

NM_052872.4(IL17F):c.12G>C (p.Lys4Asn)

Gene: IL17F (interleukin 17F; minus strand). Cytogenetic location: 6p12.2.
Variant type: single nucleotide variant.
Coding change: c.12G>C on transcript NM_052872.4 (MANE Select); coding-DNA position 12, G replaced by C.
Protein change: p.Lys4Asn; replaces lysine 4 with asparagine.
Molecular consequence: missense variant.
Genome position (GRCh38, 1-based): chr6:52,244,418, C>G on the plus strand (G>C on the coding strand, the complement: IL17F is on the minus strand). VCF-style: chr6-52244418-C-G. GRCh37 (hg19) VCF-style: chr6-52109216-C-G.
Other names: short protein forms K4N.
Identifiers: ClinVar variation 1434850 (VCV001434850.6), dbSNP rs2128268858, ClinGen allele CA364445380.

ClinVar aggregate classification (germline): Uncertain significance (1 of 4 stars; one submission).

Conditions:
Candidiasis, familial, 6 (CANDF6). Also called: Candidiasis, familial, 6, autosomal dominant. Identifiers: Orphanet 1334, MedGen C3151405, MONDO:0013503, OMIM 613956.

Allele frequency attached by ClinVar (database versions not stated): gnomAD exomes below 0.00001.
gnomAD v4.1: 1 of 1,614,082 alleles (0.000062%); highest among the groups gnomAD compares: Non-Finnish European, 0.000085%; no homozygotes.

Submission:

Labcorp Genetics (formerly Invitae), Labcorp
Classification: Uncertain significance for Candidiasis, familial, 6. Last evaluated: 2025-03-18. Review status: criteria provided, single submitter. Criteria: Invitae Variant Classification Sherloc (09022015). Collection method: clinical testing. Allele origin: germline.
Comment: This sequence change replaces lysine, which is basic and polar, with asparagine, which is neutral and polar, at codon 4 of the IL17F protein (p.Lys4Asn). This variant is not present in population databases (gnomAD no frequency). This variant has not been reported in the literature in individuals affected with IL17F-related conditions. ClinVar contains an entry for this variant (Variation ID: 1434850). An algorithm developed to predict the effect of missense changes on protein structure and function (PolyPhen-2) suggests that this variant is likely to be tolerated. In summary, the available evidence is currently insufficient to determine the role of this variant in disease. Therefore, it has been classified as a Variant of Uncertain Significance.